The following is an entry in ClinVar:

ClinVar aggregate classification (germline): Uncertain significance (1 of 4 stars; one submission).

Submission:

GeneDx
Classification: Uncertain significance. Last evaluated: 2022-05-27. Review status: criteria provided, single submitter. Criteria: GeneDx Variant Classification Process June 2021. Collection method: clinical testing. Allele origin: germline. Affected: yes.
Comment: Not observed at significant frequency in large population cohorts (gnomAD); In silico analysis supports that this missense variant does not alter protein structure/function; Has not been previously published as pathogenic or benign to our knowledge

NM_181882.3(PRX):c.1012G>C (p.Ala338Pro)

Gene: PRX (periaxin; minus strand). Cytogenetic location: 19q13.2.
Variant type: single nucleotide variant.
Coding change: c.1012G>C on transcript NM_181882.3 (MANE Select); coding-DNA position 1012, G replaced by C.
Protein change: p.Ala338Pro; replaces alanine 338 with proline.
Molecular consequence: missense variant. On other transcripts: 3 prime UTR variant (1).
Genome position (GRCh38, 1-based): chr19:40,397,340, C>G on the plus strand (G>C on the coding strand, the complement: PRX is on the minus strand). VCF-style: chr19-40397340-C-G. GRCh37 (hg19) VCF-style: chr19-40903247-C-G.
Other names: c.1297G>C, p.Ala433Pro (NM_001411127.1); c.*1217G>C (NM_020956.2); short protein forms A338P, A433P.
Identifiers: ClinVar variation 1801075 (VCV001801075.1), dbSNP rs752141290, ClinGen allele CA405899254.
Genomic context (GRCh38, chr19:40,397,340, plus strand): 5'-GCATCTTCAGGGCCACCTCAGGTGCCTCTCCCCGGGCCTCCACCTCTGCACCCGGCAAGG[C>G]CAGGTCCACCCCCACAGTCGGTGCTGCCACATCCAGGGTGGGCACCACTACCGACACAGC-3'
Protein context (NP_870998.2, residues 328-348): VAAPTVGVDL[Ala338Pro]LPGAEVEARG